The following is an entry in ClinVar:

NM_025243.4(SLC19A3):c.779A>T (p.Asp260Val)

Gene: SLC19A3 (solute carrier family 19 member 3; minus strand). Cytogenetic location: 2q36.3.
Variant type: single nucleotide variant.
Coding change: c.779A>T on transcript NM_025243.4 (MANE Select); coding-DNA position 779, A replaced by T.
Protein change: p.Asp260Val; replaces aspartic acid 260 with valine.
Molecular consequence: missense variant.
Genome position (GRCh38, 1-based): chr2:227,698,936, T>A on the plus strand (A>T on the coding strand, the complement: SLC19A3 is on the minus strand). VCF-style: chr2-227698936-T-A. GRCh37 (hg19) VCF-style: chr2-228563652-T-A.
Other names: c.779A>T, p.Asp260Val (NM_001371411.1, NM_001371412.1); c.767A>T, p.Asp256Val (NM_001371413.1, NM_001371414.1); short protein forms D260V, D256V.
Identifiers: ClinVar variation 779583 (VCV000779583.15), dbSNP rs371155923, ClinGen allele CA2149234.

ClinVar aggregate classification (germline): Likely benign. Review status: criteria provided, multiple submitters, no conflicts (2 of 4 stars). 3 submissions from 3 submitters: Likely benign (3). Last evaluated 2026-01-25.

Conditions:
SLC19A3-related disorder. Also called: SLC19A3-related condition.
Biotin-responsive basal ganglia disease (BTBGD). Also called: Thiamine Transporter-2 Deficiency; thiamine-responsive encephalopathy; Thiamine metabolism dysfunction syndrome 2 (biotin- or thiamine-responsive encephalopathy type 2); Thiamine metabolism dysfunction syndrome type 2; THIAMINE METABOLISM DYSFUNCTION SYNDROME 2 (BIOTIN- AND THIAMINE-RESPONSIVE TYPE). Identifiers: Orphanet 199348, Orphanet 65284, MedGen C1843807, MONDO:0011841, OMIM 607483.

Allele frequency attached by ClinVar (database versions not stated): gnomAD below 0.00001 and 0.00018; TOPMed 0.00002; gnomAD exomes 0.00027 and 0.00043; ExAC 0.00044; 1000 Genomes Project 30x 0.00094; 1000 Genomes Project 0.00120.
gnomAD v4.1: 426 of 1,614,106 alleles (0.026%); highest among the groups gnomAD compares: South Asian, 0.44%; 4 homozygotes.

Submissions (3):

Labcorp Genetics (formerly Invitae), Labcorp
Classification: Likely benign for Biotin-responsive basal ganglia disease. Last evaluated: 2026-01-25. Review status: criteria provided, single submitter. Criteria: Invitae Variant Classification Sherloc (09022015). Collection method: clinical testing. Allele origin: germline.

PreventionGenetics, part of Exact Sciences
Classification: Likely benign for SLC19A3-related condition. Last evaluated: 2025-05-27. Review status: criteria provided, single submitter. Criteria: ACMG Guidelines, 2015. Collection method: clinical testing. Allele origin: germline.
Comment: This variant is classified as likely benign based on ACMG/AMP sequence variant interpretation guidelines (Richards et al. 2015 PMID: 25741868, with internal and published modifications).

Illumina Laboratory Services, Illumina
Classification: Likely benign for Biotin-responsive basal ganglia disease. Last evaluated: 2018-01-13. Review status: criteria provided, single submitter. Criteria: ICSL Variant Classification Criteria 13 December 2019. Collection method: clinical testing. Allele origin: germline.
Comment: This variant was observed in the ICSL laboratory as part of a predisposition screen in an ostensibly healthy population. It had not been previously curated by ICSL or reported in the Human Gene Mutation Database (HGMD: prior to June 1st, 2018), and was therefore a candidate for classification through an automated scoring system. Utilizing variant allele frequency, disease prevalence and penetrance estimates, and inheritance mode, an automated score was calculated to assess if this variant is too frequent to cause the disease. Based on the score and internal cut-off values, a variant classified as likely benign is not then subjected to further curation. The score for this variant resulted in a classification of likely benign for this disease.